The following is an entry in ClinVar:

NM_021930.6(RINT1):c.1187A>G (p.Asn396Ser)

Gene: RINT1 (RAD50 interactor 1; plus strand). Cytogenetic location: 7q22.3.
Variant type: single nucleotide variant.
Coding change: c.1187A>G on transcript NM_021930.6 (MANE Select); coding-DNA position 1187, A replaced by G.
Protein change: p.Asn396Ser; replaces asparagine 396 with serine.
Molecular consequence: missense variant. On other transcripts: non-coding transcript variant (1).
Genome position (GRCh38, 1-based): chr7:105,550,340, A>G. VCF-style: chr7-105550340-A-G. GRCh37 (hg19) VCF-style: chr7-105190787-A-G.
Other names: c.953A>G, p.Asn318Ser (NM_001346599.2); c.164A>G, p.Asn55Ser (NM_001346600.2, NM_001346603.2); c.263A>G, p.Asn88Ser (NM_001346601.2); short protein forms N396S, N318S, N55S, N88S.
Identifiers: ClinVar variation 241394 (VCV000241394.11), dbSNP rs202189669, ClinGen allele CA4426620.
Genomic context (GRCh38, chr7:105,550,340, plus strand): 5'-TTATGATGCTGGTTCTTGAGAAGTTAGCCACTGATATTCCTTGTCTGCTATATGATGACA[A>G]TCTCTTCTGTCATTTGGTGGATGAAGTACTCTTGTTTGAAAGGGAGCTACACAGTGTTCA-3'
Protein context (NP_068749.3, residues 386-406): TDIPCLLYDD[Asn396Ser]LFCHLVDEVL

ClinVar aggregate classification (germline): Conflicting classifications of pathogenicity. Review status: criteria provided, conflicting classifications (1 of 4 stars). 3 submissions from 3 submitters: Uncertain significance (2); Likely benign (1). Last evaluated 2026-01-08.

Conditions:
Infantile liver failure syndrome 3. Identifiers: MedGen C5231437, MONDO:0032844, OMIM 618641.

Allele frequency attached by ClinVar (database versions not stated): gnomAD 0.00002 and 0.00001; gnomAD exomes 0.00002 and 0.00006; TOPMed 0.00003; ExAC 0.00004.

Submissions (3):

Labcorp Genetics (formerly Invitae), Labcorp
Classification: Uncertain significance. Last evaluated: 2026-01-08. Review status: criteria provided, single submitter. Criteria: Invitae Variant Classification Sherloc (09022015). Collection method: clinical testing. Allele origin: germline.
Comment: This sequence change replaces asparagine, which is neutral and polar, with serine, which is neutral and polar, at codon 396 of the RINT1 protein (p.Asn396Ser). This variant is present in population databases (rs202189669, gnomAD 0.07%). This missense change has been observed in individual(s) with breast and/or ovarian cancer and in an unaffected control (PMID: 27544226). ClinVar contains an entry for this variant (Variation ID: 241394). An algorithm developed to predict the effect of missense changes on protein structure and function outputs the following: PolyPhen-2: "Benign". The serine amino acid residue is found in multiple mammalian species, which suggests that this missense change does not adversely affect protein function. In summary, the available evidence is currently insufficient to determine the role of this variant in disease. Therefore, it has been classified as a Variant of Uncertain Significance.

Fulgent Genetics
Classification: Uncertain significance for Infantile liver failure syndrome 3. Last evaluated: 2024-01-06. Review status: criteria provided, single submitter. Criteria: ACMG Guidelines, 2015. Collection method: clinical testing. Allele origin: germline.

Ambry Genetics
Classification: Likely benign. Last evaluated: 2020-09-15. Review status: criteria provided, single submitter. Criteria: Ambry Variant Classification Scheme 2023. Collection method: clinical testing. Allele origin: germline.

Literature cited by the submitters: PubMed 27544226 (cited by Labcorp Genetics (formerly Invitae), Labcorp).